The following is an entry in ClinVar:

NM_000051.4(ATM):c.7204G>T (p.Glu2402Ter)

Genes: C11orf65 (chromosome 11 open reading frame 65; minus strand), ATM (ATM serine/threonine kinase; plus strand). Cytogenetic location: 11q22.3.
Variant type: single nucleotide variant.
Coding change: c.7204G>T on transcript NM_000051.4 (MANE Select); coding-DNA position 7204, G replaced by T.
Protein change: p.Glu2402Ter; replaces glutamic acid 2402 with a stop codon.
Molecular consequence: nonsense. On other transcripts: intron variant (2).
Genome position (GRCh38, 1-based): chr11:108,329,135, G>T. VCF-style: chr11-108329135-G-T. GRCh37 (hg19) VCF-style: chr11-108199862-G-T.
Other names: c.7204G>T, p.Glu2402Ter (NM_001351834.2); c.641-20064C>A (NM_001330368.2); c.*38+6085C>A (NM_001351110.2); short protein forms E2402*.
Identifiers: ClinVar variation 954706 (VCV000954706.9), dbSNP rs2085987831, ClinGen allele CA382559623.
Genomic context (GRCh38, chr11:108,329,135, plus strand): 5'-GGAAAAATGAAGGCATTTCTCTCATTAGCCCGGTTTTCAGATACTCAATACCAAAGAATT[G>T]AAAACTACATGAAATCATCGGAATTTGAAAACAAGCAAGCTCTCCTGAAAAGAGCCAAAG-3'

ClinVar aggregate classification (germline): Pathogenic/Likely pathogenic. Review status: criteria provided, multiple submitters, no conflicts (2 of 4 stars). 2 submissions from 2 submitters: Pathogenic (1); Likely pathogenic (1). Last evaluated 2024-01-04.

Conditions:
ATM-related disorder. Also called: ATM-related disorders; ATM-related condition.
Ataxia-telangiectasia syndrome (AT). Also called: Ataxia-telangiectasia, complementation group D; AT, COMPLEMENTATION GROUP C; ATAXIA-TELANGIECTASIA, COMPLEMENTATION GROUP A; ATAXIA-TELANGIECTASIA, FRESNO VARIANT; Ataxia-telangiectasia; Ataxia telangiectasia (A-T). Identifiers: Orphanet 100, MedGen C0004135, MONDO:0008840, OMIM 208900.

Submissions (2):

Blueprint Genetics
Classification: Likely pathogenic for ATM-related disorders. Last evaluated: 2024-01-04. Review status: criteria provided, single submitter. Criteria: ACMG Guidelines, 2015. Collection method: clinical testing. Allele origin: germline. Affected: yes. Observed: 2 variant alleles.

Labcorp Genetics (formerly Invitae), Labcorp
Classification: Pathogenic for Ataxia-telangiectasia syndrome. Last evaluated: 2019-09-15. Review status: criteria provided, single submitter. Criteria: Invitae Variant Classification Sherloc (09022015). Collection method: clinical testing. Allele origin: germline.
Comment: This variant is not present in population databases (ExAC no frequency). This sequence change creates a premature translational stop signal (p.Glu2402*) in the ATM gene. It is expected to result in an absent or disrupted protein product. This variant has not been reported in the literature in individuals with ATM-related conditions. For these reasons, this variant has been classified as Pathogenic. Loss-of-function variants in ATM are known to be pathogenic (PMID: 23807571, 25614872).

Literature cited by the submitters: PubMed 23807571 (cited by Labcorp Genetics (formerly Invitae), Labcorp); PubMed 25614872 (cited by Labcorp Genetics (formerly Invitae), Labcorp).